The following is an entry in ClinVar:

ClinVar aggregate classification (germline): Uncertain significance (1 of 4 stars; one submission).

Allele frequency attached by ClinVar (database versions not stated): gnomAD exomes below 0.00001; TOPMed 0.00001.
gnomAD v4.1: 3 of 1,613,868 alleles (0.00019%); highest among the groups gnomAD compares: African/African-American, 0.0013%; no homozygotes.

Submission:

Ambry Genetics
Classification: Uncertain significance. Last evaluated: 2024-09-30. Review status: criteria provided, single submitter. Criteria: Ambry Variant Classification Scheme 2023. Collection method: clinical testing. Allele origin: germline.
Comment: The p.I1264M variant (also known as c.3792A>G), located in coding exon 16 of the POLQ gene, results from an A to G substitution at nucleotide position 3792. The isoleucine at codon 1264 is replaced by methionine, an amino acid with highly similar properties. This amino acid position is conserved. In addition, this alteration is predicted to be tolerated by in silico analysis. Since supporting evidence is limited at this time, the clinical significance of this alteration remains unclear.

NM_199420.4(POLQ):c.3792A>G (p.Ile1264Met)

Gene: POLQ (DNA polymerase theta; minus strand). Cytogenetic location: 3q13.33.
Variant type: single nucleotide variant.
Coding change: c.3792A>G on transcript NM_199420.4 (MANE Select); coding-DNA position 3792, A replaced by G.
Protein change: p.Ile1264Met; replaces isoleucine 1264 with methionine.
Molecular consequence: missense variant.
Genome position (GRCh38, 1-based): chr3:121,489,139, T>C on the plus strand (A>G on the coding strand, the complement: POLQ is on the minus strand). VCF-style: chr3-121489139-T-C. GRCh37 (hg19) VCF-style: chr3-121207986-T-C.
Other names: short protein forms I1264M.
Identifiers: ClinVar variation 1734961 (VCV001734961.3), dbSNP rs1261375264, ClinGen allele CA354097241.
Genomic context (GRCh38, chr3:121,489,139, plus strand): 5'-ATTCTCATGCTGGCCTTCTGATTTGCTAAATGCTCCAGCTGATGGAAGTACTTCACTGGG[T>C]ATCACAGTTCTGCTTATATCATCTCCTAATGCCTGAAAATGACTTGGTTTATTTTCCTCT-3'
Protein context (NP_955452.3, residues 1254-1274): ALGDDISRTV[Ile1264Met]PSEVLPSAGA